The following is an entry in ClinVar:

ClinVar aggregate classification (germline): Uncertain significance (1 of 4 stars; one submission).

Allele frequency attached by ClinVar (database versions not stated): gnomAD exomes below 0.00001; ExAC 0.00001.
gnomAD v4.1: 2 of 1,212,037 alleles (0.00017%); highest among the groups gnomAD compares: South Asian, 0.0035%; no homozygotes.

Submission:

Labcorp Genetics (formerly Invitae), Labcorp
Classification: Uncertain significance. Last evaluated: 2022-08-10. Review status: criteria provided, single submitter. Criteria: Invitae Variant Classification Sherloc (09022015). Collection method: clinical testing. Allele origin: germline.
Comment: In summary, the available evidence is currently insufficient to determine the role of this variant in disease. Therefore, it has been classified as a Variant of Uncertain Significance. Algorithms developed to predict the effect of missense changes on protein structure and function are either unavailable or do not agree on the potential impact of this missense change (SIFT: "Deleterious"; PolyPhen-2: "Possibly Damaging"; Align-GVGD: "Class C0"). This variant has not been reported in the literature in individuals affected with ATP6AP1-related conditions. This variant is present in population databases (rs781873327, gnomAD 0.005%), including at least one homozygous and/or hemizygous individual. This sequence change replaces methionine, which is neutral and non-polar, with threonine, which is neutral and polar, at codon 436 of the ATP6AP1 protein (p.Met436Thr).

NM_001183.6(ATP6AP1):c.1307T>C (p.Met436Thr)

Gene: ATP6AP1 (ATPase H+ transporting accessory protein 1; plus strand). Cytogenetic location: Xq28.
Variant type: single nucleotide variant.
Coding change: c.1307T>C on transcript NM_001183.6 (MANE Select); coding-DNA position 1307, T replaced by C.
Protein change: p.Met436Thr; replaces methionine 436 with threonine.
Molecular consequence: missense variant.
Genome position (GRCh38, 1-based): chrX:154,435,785, T>C. VCF-style: chrX-154435785-T-C. GRCh37 (hg19) VCF-style: chrX-153664131-T-C.
Other names: short protein forms M436T.
Identifiers: ClinVar variation 2016849 (VCV002016849.4), dbSNP rs781873327, ClinGen allele CA10562805.